The following is an entry in ClinVar:

NM_000186.4(CFH):c.427+14G>A

Gene: CFH (complement factor H; plus strand). Cytogenetic location: 1q31.3.
Variant type: single nucleotide variant.
Coding change: c.427+14G>A on transcript NM_000186.4 (MANE Select); 14 bases into the intron after coding-DNA position 427, G replaced by A.
Molecular consequence: intron variant.
Genome position (GRCh38, 1-based): chr1:196,676,079, G>A. VCF-style: chr1-196676079-G-A. GRCh37 (hg19) VCF-style: chr1-196645209-G-A.
Other names: c.427+14G>A (NM_001014975.3).
Identifiers: ClinVar variation 1949740 (VCV001949740.6), dbSNP rs755841584, ClinGen allele CA1305046.

ClinVar aggregate classification (germline): Likely benign. Review status: criteria provided, multiple submitters, no conflicts (2 of 4 stars). 2 submissions from 2 submitters: Likely benign (2). Last evaluated 2026-06-25.

Allele frequency attached by ClinVar (database versions not stated): TOPMed 0.00002; ExAC 0.00002.
gnomAD v4.1: 5 of 1,447,414 alleles (0.00035%); highest among the groups gnomAD compares: African/African-American, 0.0028%; no homozygotes.

Submissions (2):

Women's Health and Genetics/Laboratory Corporation of America, LabCorp
Classification: Likely benign. Last evaluated: 2026-06-25. Review status: criteria provided, single submitter. Criteria: LabCorp Variant Classification Summary - May 2015. Collection method: clinical testing. Allele origin: germline.
Comment: Variant summary: CFH c.427+14G>A alters a nucleotide located at a position not widely known to affect splicing. Consensus agreement among computation tools predict no significant impact on normal splicing. However, these predictions have yet to be confirmed by functional studies. The variant allele was found at a frequency of 2e-05 in 247060 control chromosomes. The available data on variant occurrences in the general population are insufficient to allow any conclusion about variant significance. To our knowledge, no occurrence of c.427+14G>A in individuals affected with CFH-related conditions and no experimental evidence demonstrating its impact on protein function have been reported. ClinVar contains an entry for this variant (Variation ID: 1949740). Based on the evidence outlined above, the variant was classified as likely benign.

Labcorp Genetics (formerly Invitae), Labcorp
Classification: Likely benign. Last evaluated: 2025-02-06. Review status: criteria provided, single submitter. Criteria: Invitae Variant Classification Sherloc (09022015). Collection method: clinical testing. Allele origin: germline.